The following is an entry in ClinVar:

ClinVar aggregate classification (germline): Uncertain significance (1 of 4 stars; one submission).

Conditions:
Brachymorphism-onychodysplasia-dysphalangism syndrome. Identifiers: Orphanet 1292, MedGen C1862082, MONDO:0007230, OMIM 113477.

Submission:

Broad Center for Mendelian Genomics, Broad Institute of MIT and Harvard
Classification: Uncertain significance for Brachymorphism-onychodysplasia-dysphalangism syndrome. Last evaluated: 2024-11-25. Review status: criteria provided, single submitter. Criteria: ACMG Guidelines, 2015. Collection method: curation. Allele origin: germline. Inheritance: Autosomal recessive inheritance. Study: GREGoR Consortium.
Comment: The heterozygous p.Arg591Leu variant in CDK11B was identified by our study, in the compound heterozygous state, in 2 siblings with Brachymorphism-onychodysplasia-dysphalangism syndrome. While this gene is still lacking sufficient evidence to establish a gene-disease relationship, we believe this is a possible novel gene candidate for Brachymorphism-onychodysplasia-dysphalangism syndrome. Given the limited information about this gene-disease relationship, the significance of the p.Arg591Leu variant is uncertain. If you have any additional information about functional evidence or other individuals with this phenotype that also have variants in CDK11B we encourage you to reach out to us.

NM_033486.3(CDK11B):c.1772G>T (p.Arg591Leu)

Gene: CDK11B (cyclin dependent kinase 11B; minus strand). Cytogenetic location: 1p36.33.
Variant type: single nucleotide variant.
Coding change: c.1772G>T on transcript NM_033486.3 (MANE Select); coding-DNA position 1772, G replaced by T.
Protein change: p.Arg591Leu; replaces arginine 591 with leucine.
Molecular consequence: missense variant.
Genome position (GRCh38, 1-based): chr1:1,636,925, C>A on the plus strand (G>T on the coding strand, the complement: CDK11B is on the minus strand). VCF-style: chr1-1636925-C-A. GRCh37 (hg19) VCF-style: chr1-1572287-C-A.
Other names: NM_033490.3:c.1121G>T; c.1742G>T, p.Arg581Leu (NM_001291345.2); c.1811G>T, p.Arg604Leu (NM_001787.3); c.1004G>T, p.Arg335Leu (NM_033487.3); c.1670G>T, p.Arg557Leu (NM_033489.3); c.1121G>T, p.Arg374Leu (NM_033490.3); short protein forms R335L, R374L, R557L, R581L, R591L, R604L.
Identifiers: ClinVar variation 3383290 (VCV003383290.1).